The following is an entry in ClinVar:

NM_003873.7(NRP1):c.2543G>A (p.Gly848Asp)

Gene: NRP1 (neuropilin 1; minus strand). Cytogenetic location: 10p11.22.
Variant type: single nucleotide variant.
Coding change: c.2543G>A on transcript NM_003873.7 (MANE Select); coding-DNA position 2543, G replaced by A.
Protein change: p.Gly848Asp; replaces glycine 848 with aspartic acid.
Molecular consequence: missense variant. On other transcripts: non-coding transcript variant (1).
Genome position (GRCh38, 1-based): chr10:33,180,305, C>T on the plus strand (G>A on the coding strand, the complement: NRP1 is on the minus strand). VCF-style: chr10-33180305-C-T. GRCh37 (hg19) VCF-style: chr10-33469233-C-T.
Other names: c.2525G>A, p.Gly842Asp (NM_001244972.2); c.2522G>A, p.Gly841Asp (NM_001244973.2); c.2492G>A, p.Gly831Asp (NM_001330068.2); short protein forms G831D, G848D, G842D, G841D.
Identifiers: ClinVar variation 4981609 (VCV004981609.1).
Genomic context (GRCh38, chr10:33,180,305, plus strand): 5'-CCCAGGGCACTCATGGCTATGATGGTGATGAGGATGGGGTCTAAGGTCTTCAACACATTG[C>T]CTGGCTTCCTGGAGATGTTCTTGTCACCTTCTCCTTCACCTTCGTATCCTGGCGTGCTCC-3'
Protein context (NP_003864.5, residues 838-858): EGDKNISRKP[Gly848Asp]NVLKTLDPIL

ClinVar aggregate classification (germline): Uncertain significance (1 of 4 stars; one submission).

Conditions:
NRP1-related disorder. Also called: NRP1-related condition.

gnomAD v4.1: 16 of 1,608,538 alleles (0.00099%); highest among the groups gnomAD compares: Non-Finnish European, 0.0013%; no homozygotes.

Submission:

PreventionGenetics, part of Exact Sciences
Classification: Uncertain significance for NRP1-related condition. Last evaluated: 2026-05-01. Review status: criteria provided, single submitter. Criteria: ACMG Guidelines, 2015. Collection method: clinical testing. Allele origin: germline.
Comment: The NRP1 c.2543G>A variant is predicted to result in the amino acid substitution p.Gly848Asp. To our knowledge, this variant has not been reported in the literature. This variant is reported in 0.0027% of alleles in individuals of European (Non-Finnish) descent in gnomAD. At this time, the clinical significance of this variant is uncertain due to the absence of conclusive functional and genetic evidence.